The following is an entry in ClinVar:

NM_000350.3(ABCA4):c.173A>T (p.Asn58Ile)

Gene: ABCA4 (ATP binding cassette subfamily A member 4; minus strand). Cytogenetic location: 1p22.1.
Variant type: single nucleotide variant.
Coding change: c.173A>T on transcript NM_000350.3 (MANE Select); coding-DNA position 173, A replaced by T.
Protein change: p.Asn58Ile; replaces asparagine 58 with isoleucine.
Molecular consequence: missense variant.
Genome position (GRCh38, 1-based): chr1:94,111,567, T>A on the plus strand (A>T on the coding strand, the complement: ABCA4 is on the minus strand). VCF-style: chr1-94111567-T-A. GRCh37 (hg19) VCF-style: chr1-94577123-T-A.
Other names: c.173A>T, p.Asn58Ile (NM_001425324.1); short protein forms N58I.
Identifiers: ClinVar variation 1806281 (VCV001806281.1), dbSNP rs2524008119, ClinGen allele CA341285618.

ClinVar aggregate classification (germline): Uncertain significance (1 of 4 stars; one submission).

Conditions:
Severe early-childhood-onset retinal dystrophy (STGD1). Also called: Stargardt macular dystrophy; Juvenile onset macular degeneration; Stargardt disease 1; MACULAR DYSTROPHY WITH FLECKS, TYPE 1; STGD. Identifiers: Orphanet 364055, Orphanet 827, MedGen C1855465, MeSH D000080362, MONDO:0009549, OMIM 248200.

Submission:

Victorian Clinical Genetics Services, Murdoch Childrens Research Institute
Classification: Uncertain significance for Severe early-childhood-onset retinal dystrophy. Last evaluated: 2020-10-15. Review status: criteria provided, single submitter. Criteria: ACMG Guidelines, 2015. Collection method: clinical testing. Allele origin: germline. Inheritance: Autosomal recessive inheritance. Affected: yes.
Comment: Based on the classification scheme VCGS_Germline_v1.3.3, this variant is classified as 3A-VUS. Following criteria are met: 0102 - Loss of function is a known mechanism of disease in this gene and is associated with Stargardt disease 1 (MIM#248200), and other retinal conditions (OMIM). (I) 0106 - This gene is associated with autosomal recessive disease. (I) 0200 - Variant is predicted to result in a missense amino acid change from asparagine to isoleucine. (I) 0251 - This variant is heterozygous. (I) 0301 - Variant is absent from gnomAD (both v2 and v3). (SP) 0309 - An alternative amino acid change at the same position has been observed in gnomAD (v3) (1 heterozygote, 0 homozygotes). (I) 0501 - Missense variant consistently predicted to be damaging by multiple in silico tools and highly conserved with a major amino acid change. (SP) 0604 - Variant is not located in an established domain, motif, hotspot or informative constraint region. (I) 0708 - Another missense variant comparable to the one identified in this case has conflicting previous evidence for pathogenicity. An alternative change (p.Asn58Lys) has been reported as likely benign, likely pathogenic and a VUS, and observed in several patients with Stargardt disease (ClinVar, LOVD, PMID: 11527935, PMID: 28044389). (I) 0807 - This variant has no previous evidence of pathogenicity. (I) 0905 - No published segregation evidence has been identified for this variant. (I) 1007 - No published functional evidence has been identified for this variant. (I) 1201 - Heterozygous variant detected in trans with a second pathogenic heterozygous variant (p.(Ser84Thrfs*16)) in a recessive disease. (SP) 1208 - Inheritance information for this variant is not currently available in this individual. (I)

Literature cited by the submitters: PubMed 11527935; PubMed 28044389.